The following is an entry in ClinVar:

NM_000487.6(ARSA):c.1282C>G (p.Pro428Ala)

Gene: ARSA (arylsulfatase A; minus strand). Cytogenetic location: 22q13.33.
Variant type: single nucleotide variant.
Coding change: c.1282C>G on transcript NM_000487.6 (MANE Select); coding-DNA position 1282, C replaced by G.
Protein change: p.Pro428Ala; replaces proline 428 with alanine.
Molecular consequence: missense variant.
Genome position (GRCh38, 1-based): chr22:50,625,393, G>C on the plus strand (C>G on the coding strand, the complement: ARSA is on the minus strand). VCF-style: chr22-50625393-G-C. GRCh37 (hg19) VCF-style: chr22-51063821-G-C.
Other names: c.1282C>G, p.Pro428Ala (NM_001085425.3, NM_001085426.3, NM_001085427.3); c.1024C>G, p.Pro342Ala (NM_001085428.3, NM_001362782.2); short protein forms P342A, P428A.
Identifiers: ClinVar variation 1470959 (VCV001470959.6), dbSNP rs2146716603, ClinGen allele CA412168904.

ClinVar aggregate classification (germline): Likely pathogenic (1 of 4 stars; one submission).

Conditions:
Metachromatic leukodystrophy (MLD). Also called: Arylsulfatase A Deficiency; Cerebral sclerosis diffuse metachromatic form; METACHROMATIC LEUKOENCEPHALOPATHY; SULFATIDE LIPIDOSIS; ARSA DEFICIENCY; CEREBROSIDE SULFATASE DEFICIENCY. Identifiers: Orphanet 512, MedGen C0023522, MONDO:0018868, OMIM 250100.

Submission:

Labcorp Genetics (formerly Invitae), Labcorp
Classification: Likely pathogenic for Metachromatic leukodystrophy. Last evaluated: 2023-10-22. Review status: criteria provided, single submitter. Criteria: Invitae Variant Classification Sherloc (09022015). Collection method: clinical testing. Allele origin: germline.
Comment: This sequence change replaces proline, which is neutral and non-polar, with alanine, which is neutral and non-polar, at codon 428 of the ARSA protein (p.Pro428Ala). This variant is not present in population databases (gnomAD no frequency). This variant has not been reported in the literature in individuals affected with ARSA-related conditions. ClinVar contains an entry for this variant (Variation ID: 1470959). Advanced modeling of protein sequence and biophysical properties (such as structural, functional, and spatial information, amino acid conservation, physicochemical variation, residue mobility, and thermodynamic stability) performed at Invitae indicates that this missense variant is expected to disrupt ARSA protein function. This variant disrupts the p.Pro428 amino acid residue in ARSA. Other variant(s) that disrupt this residue have been determined to be pathogenic (PMID: 1670590, 9090526, 9096767, 11777924, 11941485, 26462614). This suggests that this residue is clinically significant, and that variants that disrupt this residue are likely to be disease-causing. In summary, the currently available evidence indicates that the variant is pathogenic, but additional data are needed to prove that conclusively. Therefore, this variant has been classified as Likely Pathogenic.

Literature cited by the submitters: PubMed 1670590; PubMed 9090526; PubMed 9096767; PubMed 11777924; PubMed 11941485; PubMed 26462614.